The following is an entry in ClinVar:

NM_015602.4(TOR1AIP1):c.1012T>C (p.Trp338Arg)

Gene: TOR1AIP1 (torsin 1A interacting protein 1; plus strand). Cytogenetic location: 1q25.2.
Variant type: single nucleotide variant.
Coding change: c.1012T>C on transcript NM_015602.4 (MANE Select); coding-DNA position 1012, T replaced by C.
Protein change: p.Trp338Arg; replaces tryptophan 338 with arginine.
Molecular consequence: missense variant.
Genome position (GRCh38, 1-based): chr1:179,917,499, T>C. VCF-style: chr1-179917499-T-C. GRCh37 (hg19) VCF-style: chr1-179886634-T-C.
Other names: c.1015T>C, p.Trp339Arg (NM_001267578.2); short protein forms W339R, W338R.
Identifiers: ClinVar variation 845219 (VCV000845219.3), dbSNP rs769461759, ClinGen allele CA1269079.

ClinVar aggregate classification (germline): Uncertain significance. Review status: criteria provided, multiple submitters, no conflicts (2 of 4 stars). 3 submissions from 3 submitters: Uncertain significance (3). Last evaluated 2025-09-09.

Conditions:
TOR1AIP1-related disorder. Also called: TOR1AIP1-related condition.
Autosomal recessive limb-girdle muscular dystrophy type 2Y (MRRSDC). Also called: Muscular dystrophy, autosomal recessive, with rigid spine and distal joint contractures; Muscular dystrophy, limb-girdle, type 2y. Identifiers: Orphanet 424261, MedGen C4511482, MONDO:0014900, OMIM 617072.

Allele frequency attached by ClinVar (database versions not stated): gnomAD 0.00001; TOPMed 0.00001; gnomAD exomes 0.00002 and 0.00004; ExAC 0.00003.
gnomAD v4.1: 54 of 1,613,556 alleles (0.0033%); highest among the groups gnomAD compares: East Asian, 0.011%; no homozygotes.

Submissions (3):

PreventionGenetics, part of Exact Sciences
Classification: Uncertain significance for TOR1AIP1-related condition. Last evaluated: 2025-09-09. Review status: criteria provided, single submitter. Criteria: ACMG Guidelines, 2015. Collection method: clinical testing. Allele origin: germline.
Comment: The TOR1AIP1 c.1015T>C variant is predicted to result in the amino acid substitution p.Trp339Arg. To our knowledge, this variant has not been reported in the literature. This variant is reported in 0.025% of alleles in individuals of East Asian descent in gnomAD. At this time, the clinical significance of this variant is uncertain due to the absence of conclusive functional and genetic evidence.

GeneDx
Classification: Uncertain significance. Last evaluated: 2025-06-13. Review status: criteria provided, single submitter. Criteria: GeneDx Variant Classification Process June 2021. Collection method: clinical testing. Allele origin: germline. Affected: yes.
Comment: In silico analysis supports that this missense variant has a deleterious effect on protein structure/function; Has not been previously published as pathogenic or benign to our knowledge

Labcorp Genetics (formerly Invitae), Labcorp
Classification: Uncertain significance for Muscular dystrophy, limb-girdle, type 2y. Last evaluated: 2019-04-22. Review status: criteria provided, single submitter. Criteria: Invitae Variant Classification Sherloc (09022015). Collection method: clinical testing. Allele origin: germline.
Comment: This sequence change replaces tryptophan with arginine at codon 339 of the TOR1AIP1 protein (p.Trp339Arg). The tryptophan residue is weakly conserved and there is a moderate physicochemical difference between tryptophan and arginine. This variant is present in population databases (rs769461759, ExAC 0.03%). This variant has not been reported in the literature in individuals with TOR1AIP1-related conditions. Algorithms developed to predict the effect of missense changes on protein structure and function output the following: SIFT: "Tolerated"; PolyPhen-2: "Benign"; Align-GVGD: "Class C0". The arginine amino acid residue is found in multiple mammalian species, suggesting that this missense change does not adversely affect protein function. These predictions have not been confirmed by published functional studies and their clinical significance is uncertain. In summary, the available evidence is currently insufficient to determine the role of this variant in disease. Therefore, it has been classified as a Variant of Uncertain Significance.